The following is an entry in ClinVar:

ClinVar aggregate classification (germline): Pathogenic. Review status: criteria provided, multiple submitters, no conflicts (2 of 4 stars). 3 submissions from 3 submitters: Pathogenic (3). Last evaluated 2025-06-17.

Conditions:
Familial adenomatous polyposis 4 (FAP4). Also called: MSH3-related attenuated familial adenomatous polyposis. Identifiers: Orphanet 480536, MedGen C4310719, MONDO:0044300, OMIM 617100.
Hereditary cancer-predisposing syndrome. Also called: Tumor predisposition; Hereditary Cancer Syndrome; Neoplastic Syndromes, Hereditary; Hereditary neoplastic syndrome. Identifiers: Orphanet 140162, MedGen C0027672, MeSH D009386, MONDO:0015356.

Submissions (3):

Myriad Genetics, Inc.
Classification: Pathogenic for Familial adenomatous polyposis 4. Last evaluated: 2025-06-17. Review status: criteria provided, single submitter. Criteria: Myriad Autosomal Dominant, Autosomal Recessive and X-Linked Classification Criteria (2023). Collection method: clinical testing. Allele origin: unknown.
Comment: This variant is considered pathogenic. This variant creates a frameshift predicted to result in premature protein truncation.

Labcorp Genetics (formerly Invitae), Labcorp
Classification: Pathogenic. Last evaluated: 2024-04-13. Review status: criteria provided, single submitter. Criteria: Invitae Variant Classification Sherloc (09022015). Collection method: clinical testing. Allele origin: germline.
Comment: This sequence change creates a premature translational stop signal (p.Met939Thrfs*14) in the MSH3 gene. It is expected to result in an absent or disrupted protein product. Loss-of-function variants in MSH3 are known to be pathogenic (PMID: 27476653, 37402566). This variant is not present in population databases (gnomAD no frequency). This variant has not been reported in the literature in individuals affected with MSH3-related conditions. ClinVar contains an entry for this variant (Variation ID: 1796378). Algorithms developed to predict the effect of sequence changes on RNA splicing suggest that this variant may disrupt the consensus splice site. For these reasons, this variant has been classified as Pathogenic.

Ambry Genetics
Classification: Pathogenic for Hereditary cancer-predisposing syndrome. Last evaluated: 2022-03-09. Review status: criteria provided, single submitter. Criteria: Ambry Variant Classification Scheme 2023. Collection method: clinical testing. Allele origin: germline.
Comment: The c.2816_2828del13 pathogenic mutation, located in coding exon 21 of the MSH3 gene, results from a deletion of 13 nucleotides at nucleotide positions 2816 to 2828, causing a translational frameshift with a predicted alternate stop codon (p.M939Tfs*14). This variant is considered to be rare based on population cohorts in the Genome Aggregation Database (gnomAD). This alteration is expected to result in loss of function by premature protein truncation or nonsense-mediated mRNA decay. As such, this alteration is interpreted as a disease-causing mutation.

Literature cited by the submitters: PubMed 27476653 (cited by Labcorp Genetics (formerly Invitae), Labcorp); PubMed 37402566 (cited by Labcorp Genetics (formerly Invitae), Labcorp).

NM_002439.5(MSH3):c.2816_2828del (p.Met939fs)

Gene: MSH3 (mutS homolog 3; plus strand). Cytogenetic location: 5q14.1.
Variant type: Deletion.
Coding change: c.2816_2828del on transcript NM_002439.5 (MANE Select); coding-DNA positions 2816 to 2828, 13 bases deleted (TGGGTGCTGCAGA).
Protein change: p.Met939fs; shifts the reading frame from methionine 939.
Molecular consequence: frameshift variant.
Genome position (GRCh38, 1-based): chr5:80,854,132-80,854,144, TGGGTGCTGCAGA deleted; deleting any 13 consecutive bases within chr5:80,854,130-80,854,144 gives the same sequence; the c. name uses the placement nearest the transcript's 3' end. VCF-style (leftmost placement, unchanged base first): chr5-80854129-GGATGGGTGCTGCA-G. GRCh37 (hg19) VCF-style: chr5-80149948-GGATGGGTGCTGCA-G.
Other names: short protein forms M939fs.
Identifiers: ClinVar variation 1796378 (VCV001796378.6), dbSNP rs2478771388, ClinGen allele CA2580073531.